The following is an entry in ClinVar:

NM_003748.4(ALDH4A1):c.1570C>T (p.Arg524Ter)

Gene: ALDH4A1 (aldehyde dehydrogenase 4 family member A1; minus strand). Cytogenetic location: 1p36.13.
Variant type: single nucleotide variant.
Coding change: c.1570C>T on transcript NM_003748.4 (MANE Select); coding-DNA position 1570, C replaced by T.
Protein change: p.Arg524Ter; replaces arginine 524 with a stop codon.
Molecular consequence: nonsense.
Genome position (GRCh38, 1-based): chr1:18,874,472, G>A on the plus strand (C>T on the coding strand, the complement: ALDH4A1 is on the minus strand). VCF-style: chr1-18874472-G-A. GRCh37 (hg19) VCF-style: chr1-19200966-G-A.
Other names: c.1390C>T, p.Arg464Ter (NM_001161504.2); c.1417C>T, p.Arg473Ter (NM_001319218.2); c.1570C>T, p.Arg524Ter (NM_170726.3); short protein forms R473*, R524*, R464*.
Identifiers: ClinVar variation 3635294 (VCV003635294.3).

ClinVar aggregate classification (germline): Conflicting classifications of pathogenicity. Review status: criteria provided, conflicting classifications (1 of 4 stars). 2 submissions from 2 submitters: Likely pathogenic (1); Uncertain significance (1). Last evaluated 2025-03-28.

Conditions:
Hyperprolinemia type 2 (HYRPRO2). Also called: 1-PYRROLINE-5-CARBOXYLATE DEHYDROGENASE DEFICIENCY; Deficiency of pyrroline-5-carboxylate reductase; Delta-1-pyrroline-5-carboxylate dehydrogenase deficiency. Identifiers: Orphanet 79101, MedGen C2931835, MONDO:0009401, OMIM 239510.

gnomAD v4.1: 9 of 1,613,094 alleles (0.00056%); highest among the groups gnomAD compares: South Asian, 0.0066%; no homozygotes.

Submissions (2):

First Genomix Gene Laboratory, Genetic Diagnostics Department
Classification: Likely pathogenic for Hyperprolinemia type 2. Last evaluated: 2025-03-28. Review status: criteria provided, single submitter. Criteria: ACMG Guidelines, 2015. Collection method: clinical testing. Allele origin: germline. Inheritance: Autosomal recessive inheritance. Affected: no. Observed: 1 variant allele.

Labcorp Genetics (formerly Invitae), Labcorp
Classification: Uncertain significance for Hyperprolinemia type 2. Last evaluated: 2024-05-23. Review status: criteria provided, single submitter. Criteria: Invitae Variant Classification Sherloc (09022015). Collection method: clinical testing. Allele origin: germline.
Comment: This sequence change creates a premature translational stop signal (p.Arg524*) in the ALDH4A1 gene. While this is not anticipated to result in nonsense mediated decay, it is expected to disrupt the last 40 amino acid(s) of the ALDH4A1 protein. This variant is not present in population databases (gnomAD no frequency). This variant has not been reported in the literature in individuals affected with ALDH4A1-related conditions. Experimental studies and prediction algorithms are not available or were not evaluated, and the functional significance of this variant is currently unknown. This variant disrupts a region of the ALDH4A1 protein in which other variant(s) (p.Gln545*) have been observed in individuals with ALDH4A1-related conditions (PMID: 34037900). This suggests that this is a clinically significant region of the protein, and that variants that disrupt it are likely to be disease-causing. In summary, the available evidence is currently insufficient to determine the role of this variant in disease. Therefore, it has been classified as a Variant of Uncertain Significance.

Literature cited by the submitters: PubMed 34037900 (cited by Labcorp Genetics (formerly Invitae), Labcorp).